The following is an entry in ClinVar:

NM_015294.6(TRIM37):c.209AAG[1] (p.Glu71del)

Gene: TRIM37 (tripartite motif containing 37; minus strand). Cytogenetic location: 17q22.
Variant type: Microsatellite.
Coding change: c.209AAG[1] on transcript NM_015294.6 (MANE Select); one copy of the 3-base unit AAG starting at c.209; the reference has two copies in a row; one copy, 3 bases deleted.
Protein change: p.Glu71del; deletes glutamic acid 71.
Molecular consequence: 5 prime UTR variant (on NM_001320990.3). On other transcripts: non-coding transcript variant (2).
Genome position (GRCh38, 1-based): chr17:59,088,358-59,088,360, CTT deleted on the plus strand (AAG on the coding strand, the reverse complement: TRIM37 is on the minus strand); deleting any 3 consecutive bases within chr17:59,088,358-59,088,365 gives the same sequence; the position shown is the placement nearest the transcript's 3' end. VCF-style (leftmost placement, unchanged base first): chr17-59088357-ACTT-A. GRCh37 (hg19) VCF-style: chr17-57165718-ACTT-A.
Other names: c.209AAG[1], p.Glu71del (NM_001005207.5, NM_001320988.3, NM_001320989.3 and 2 more transcripts); c.107AAG[1], p.Glu37del (NM_001320987.3, NM_001353082.2); c.-158AAG[1] (NM_001320990.3); c.-544AAG[1] (NM_001353083.2); c.-166AAG[1] (NM_001353085.2); short protein forms E37del, E71del.
Identifiers: ClinVar variation 3050912 (VCV003050912.2), dbSNP rs2546216234, ClinGen allele CA2639027414.
Genomic context (GRCh38, chr17:59,088,357, plus strand): 5'-TTTTCATTTTCTTCATGTTTGGTGAGACTGCAGAGTTGAAGAGTATCAAGCTGTTGTGTT[ACTT>A]CTTCTGCCCAACGACAATTTACTAGTTCTCGTAGCTGGAGTGGAGCACTGGGGAGAAAAT-3'

ClinVar aggregate classification (germline): Uncertain significance (0 of 4 stars; one submission).

Conditions:
TRIM37-related disorder. Also called: TRIM37-related condition.

Submission:

PreventionGenetics, part of Exact Sciences
Classification: Uncertain significance for TRIM37-related condition. Last evaluated: 2024-01-17. Review status: no assertion criteria provided. Collection method: clinical testing. Allele origin: germline.
Comment: The TRIM37 c.212_214delAAG variant is predicted to result in an in-frame deletion (p.Glu71del). To our knowledge, this variant has not been reported in the literature or in a large population database, indicating this variant is rare. At this time, the clinical significance of this variant is uncertain due to the absence of conclusive functional and genetic evidence.